The following is an entry in ClinVar:

NM_015662.3(IFT172):c.5044C>G (p.Arg1682Gly)

Genes: IFT172 (intraflagellar transport 172; minus strand), KRTCAP3 (keratinocyte associated protein 3; plus strand). Cytogenetic location: 2p23.3.
Variant type: single nucleotide variant.
Coding change: c.5044C>G on transcript NM_015662.3 (MANE Select); coding-DNA position 5044, C replaced by G.
Protein change: p.Arg1682Gly; replaces arginine 1682 with glycine.
Molecular consequence: missense variant. On other transcripts: intron variant (1).
Genome position (GRCh38, 1-based): chr2:27,445,320, G>C on the plus strand (C>G on the coding strand, the complement: IFT172 is on the minus strand). VCF-style: chr2-27445320-G-C. GRCh37 (hg19) VCF-style: chr2-27668187-G-C.
Other names: c.4978C>G, p.Arg1660Gly (NM_001410739.1); c.*6-981G>C (NM_001168364.2); short protein forms R1682G, R1660G.
Identifiers: ClinVar variation 1935995 (VCV001935995.5), dbSNP rs1329856696, ClinGen allele CA346413435.

ClinVar aggregate classification (germline): Uncertain significance (1 of 4 stars; one submission).

Conditions:
Short-rib thoracic dysplasia 10 with or without polydactyly (SRTD10). Identifiers: Orphanet 474, MedGen C3810175, MONDO:0014284, OMIM 615630.
Retinitis pigmentosa 71 (RP71). Identifiers: Orphanet 791, MedGen C4225342, MONDO:0014618, OMIM 616394.

Allele frequency attached by ClinVar (database versions not stated): TOPMed below 0.00001.
gnomAD v4.1: 2 of 1,613,154 alleles (0.00012%); highest among the groups gnomAD compares: Non-Finnish European, 0.00017%; no homozygotes.

Submission:

Labcorp Genetics (formerly Invitae), Labcorp
Classification: Uncertain significance for Retinitis pigmentosa 71; Short-rib thoracic dysplasia 10 with or without polydactyly. Last evaluated: 2024-04-22. Review status: criteria provided, single submitter. Criteria: Invitae Variant Classification Sherloc (09022015). Collection method: clinical testing. Allele origin: germline.
Comment: This sequence change replaces arginine, which is basic and polar, with glycine, which is neutral and non-polar, at codon 1682 of the IFT172 protein (p.Arg1682Gly). This variant is not present in population databases (gnomAD no frequency). This variant has not been reported in the literature in individuals affected with IFT172-related conditions. ClinVar contains an entry for this variant (Variation ID: 1935995). Advanced modeling of protein sequence and biophysical properties (such as structural, functional, and spatial information, amino acid conservation, physicochemical variation, residue mobility, and thermodynamic stability) performed at Invitae indicates that this missense variant is not expected to disrupt IFT172 protein function with a negative predictive value of 80%. In summary, the available evidence is currently insufficient to determine the role of this variant in disease. Therefore, it has been classified as a Variant of Uncertain Significance.